The following is an entry in ClinVar:

ClinVar aggregate classification (germline): Uncertain significance (1 of 4 stars; one submission).

gnomAD v4.1: 6 of 1,613,946 alleles (0.00037%); highest among the groups gnomAD compares: East Asian, 0.0045%; no homozygotes.

Submission:

Labcorp Genetics (formerly Invitae), Labcorp
Classification: Uncertain significance. Last evaluated: 2025-10-24. Review status: criteria provided, single submitter. Criteria: Invitae Variant Classification Sherloc (09022015). Collection method: clinical testing. Allele origin: germline.
Comment: This sequence change replaces glutamic acid, which is acidic and polar, with lysine, which is basic and polar, at codon 1228 of the TRRAP protein (p.Glu1228Lys). This variant is present in population databases (rs782742706, gnomAD 0.01%). This variant has not been reported in the literature in individuals affected with TRRAP-related conditions. An algorithm developed to predict the effect of missense changes on protein structure and function (PolyPhen-2) suggests that this variant is likely to be tolerated. In summary, the available evidence is currently insufficient to determine the role of this variant in disease. Therefore, it has been classified as a Variant of Uncertain Significance.

NM_001375524.1(TRRAP):c.3682G>A (p.Glu1228Lys)

Gene: TRRAP (transformation/transcription domain associated protein; plus strand). Cytogenetic location: 7q22.1.
Variant type: single nucleotide variant.
Coding change: c.3682G>A on transcript NM_001375524.1 (MANE Select); coding-DNA position 3682, G replaced by A.
Protein change: p.Glu1228Lys; replaces glutamic acid 1228 with lysine.
Molecular consequence: missense variant.
Genome position (GRCh38, 1-based): chr7:98,931,495, G>A. VCF-style: chr7-98931495-G-A. GRCh37 (hg19) VCF-style: chr7-98529118-G-A.
Other names: c.3682G>A, p.Glu1228Lys (NM_001244580.2, NM_003496.4); short protein forms E1228K.
Identifiers: ClinVar variation 4706162 (VCV004706162.1).